The following is an entry in ClinVar:

ClinVar aggregate classification (germline): Uncertain significance (0 of 4 stars; one submission).

Conditions:
Prostate cancer. Also called: Malignant tumor of prostate. Identifiers: Orphanet 1331, MedGen C0376358, MONDO:0008315, HP:0012125.

Allele frequency attached by ClinVar (database versions not stated): gnomAD exomes below 0.00001.
gnomAD v4.1: 2 of 1,598,710 alleles (0.00013%); highest among the groups gnomAD compares: Non-Finnish European, 0.00017%; no homozygotes.

Submission:

Science for Life laboratory,  Karolinska Institutet
Classification: Uncertain significance for Malignant tumor of prostate. Review status: no assertion criteria provided. Collection method: not provided. Allele origin: somatic.
Comment: TumorID:SWE-91A
ClinVar note: Converted during submission from Unknown to Uncertain significance.

NM_001496.4(GFRA3):c.1135C>A (p.Pro379Thr)

Gene: GFRA3 (GDNF family receptor alpha 3; minus strand). Cytogenetic location: 5q31.2.
Variant type: single nucleotide variant.
Coding change: c.1135C>A on transcript NM_001496.4 (MANE Select); coding-DNA position 1135, C replaced by A.
Protein change: p.Pro379Thr; replaces proline 379 with threonine.
Molecular consequence: missense variant.
Genome position (GRCh38, 1-based): chr5:138,253,036, G>T on the plus strand (C>A on the coding strand, the complement: GFRA3 is on the minus strand). VCF-style: chr5-138253036-G-T. GRCh37 (hg19) VCF-style: chr5-137588725-G-T.
Other names: short protein forms P379T.
Identifiers: ClinVar variation 161581 (VCV000161581.2), dbSNP rs193921100, ClinGen allele CA174390.
Genomic context (GRCh38, chr5:138,253,036, plus strand): 5'-GGCTCAGGAGCAGAATCAAGGGAAGCGTGCAGGAGAAAAGAGAGGGCACCCAGGGCTGTG[G>T]CCTCACAGCAGGGTTTTCATTCTGTGGAAGAAATGGAATGGAGTTAGCTCAGGGGATTTT-3'
Protein context (NP_001487.2, residues 369-389): AHQNENPAVR[Pro379Thr]QPWVPSLFSC